The following is an entry in ClinVar:

NM_000059.4(BRCA2):c.8614G>T (p.Glu2872Ter)

Gene: BRCA2 (BRCA2 DNA repair associated; plus strand). Cytogenetic location: 13q13.1.
Variant type: single nucleotide variant.
Coding change: c.8614G>T on transcript NM_000059.4 (MANE Select); coding-DNA position 8614, G replaced by T.
Protein change: p.Glu2872Ter; replaces glutamic acid 2872 with a stop codon.
Molecular consequence: nonsense.
Genome position (GRCh38, 1-based): chr13:32,371,082, G>T. VCF-style: chr13-32371082-G-T. GRCh37 (hg19) VCF-style: chr13-32945219-G-T.
Other names: c.8518G>T, p.Glu2840Ter (NM_001406719.1); c.8614G>T, p.Glu2872Ter (NM_001406720.1); c.3682G>T, p.Glu1228Ter (NM_001406721.1); c.2197G>T, p.Glu733Ter (NM_001406722.1); short protein forms E2872*, E1228*, E2840*, E733*.
Identifiers: ClinVar variation 1764044 (VCV001764044.2), dbSNP rs1555287788, ClinGen allele CA387752938.

ClinVar aggregate classification (germline): Pathogenic (1 of 4 stars; one submission).

Conditions:
Hereditary cancer-predisposing syndrome. Also called: Neoplastic Syndromes, Hereditary; Tumor predisposition; Hereditary Cancer Syndrome; Hereditary neoplastic syndrome. Identifiers: Orphanet 140162, MedGen C0027672, MeSH D009386, MONDO:0015356.

Submission:

Ambry Genetics
Classification: Pathogenic for Hereditary cancer-predisposing syndrome. Last evaluated: 2021-02-04. Review status: criteria provided, single submitter. Criteria: Ambry Variant Classification Scheme 2023. Collection method: clinical testing. Allele origin: germline.
Comment: The p.E2872* pathogenic mutation (also known as c.8614G>T), located in coding exon 19 of the BRCA2 gene, results from a G to T substitution at nucleotide position 8614. This changes the amino acid from a glutamic acid to a stop codon within coding exon 19. This alteration is expected to result in loss of function by premature protein truncation or nonsense-mediated mRNA decay. As such, this alteration is interpreted as a disease-causing mutation.

Literature cited by the submitters: PubMed 26745875.